The following is an entry in ClinVar:

NM_000548.5(TSC2):c.5189C>A (p.Ser1730Tyr)

Gene: TSC2 (TSC complex subunit 2; plus strand). Cytogenetic location: 16p13.3.
Variant type: single nucleotide variant.
Coding change: c.5189C>A on transcript NM_000548.5 (MANE Select); coding-DNA position 5189, C replaced by A.
Protein change: p.Ser1730Tyr; replaces serine 1730 with tyrosine.
Molecular consequence: missense variant. On other transcripts: non-coding transcript variant (5).
Genome position (GRCh38, 1-based): chr16:2,088,255, C>A. VCF-style: chr16-2088255-C-A. GRCh37 (hg19) VCF-style: chr16-2138256-C-A.
Other names: c.4988C>A, p.Ser1663Tyr (NM_001077183.3); c.5120C>A, p.Ser1707Tyr (NM_001114382.3); c.4880C>A, p.Ser1627Tyr (NM_001318827.2); c.4844C>A, p.Ser1615Tyr (NM_001318829.2); c.4457C>A, p.Ser1486Tyr (NM_001318831.2); c.5021C>A, p.Ser1674Tyr (NM_001318832.2); c.4991C>A, p.Ser1664Tyr (NM_001363528.2); c.5057C>A, p.Ser1686Tyr (NM_001370404.1); and 27 more; short protein forms S1215Y, S1464Y, S1626Y, S1644Y, S1686Y, S1693Y, S1706Y, S1238Y.
Identifiers: ClinVar variation 4192145 (VCV004192145.2).

ClinVar aggregate classification (germline): Uncertain significance. Review status: criteria provided, multiple submitters, no conflicts (2 of 4 stars). 2 submissions from 2 submitters: Uncertain significance (2). Last evaluated 2025-07-18.

Conditions:
Hereditary cancer-predisposing syndrome. Also called: Neoplastic Syndromes, Hereditary; Tumor predisposition; Hereditary Cancer Syndrome; Hereditary neoplastic syndrome. Identifiers: Orphanet 140162, MedGen C0027672, MeSH D009386, MONDO:0015356.
Tuberous sclerosis 2 (TSC2). Identifiers: Orphanet 805, MedGen C1860707, MONDO:0013199, OMIM 613254.

Submissions (2):

Labcorp Genetics (formerly Invitae), Labcorp
Classification: Uncertain significance for Tuberous sclerosis 2. Last evaluated: 2025-07-18. Review status: criteria provided, single submitter. Criteria: Invitae Variant Classification Sherloc (09022015). Collection method: clinical testing. Allele origin: germline.
Comment: This sequence change replaces serine, which is neutral and polar, with tyrosine, which is neutral and polar, at codon 1730 of the TSC2 protein (p.Ser1730Tyr). This variant is not present in population databases (gnomAD no frequency). This variant has not been reported in the literature in individuals affected with TSC2-related conditions. Invitae Evidence Modeling of protein sequence and biophysical properties (such as structural, functional, and spatial information, amino acid conservation, physicochemical variation, residue mobility, and thermodynamic stability) indicates that this missense variant is not expected to disrupt TSC2 protein function with a negative predictive value of 95%. In summary, the available evidence is currently insufficient to determine the role of this variant in disease. Therefore, it has been classified as a Variant of Uncertain Significance.

Ambry Genetics
Classification: Uncertain significance for Hereditary cancer-predisposing syndrome. Last evaluated: 2025-06-25. Review status: criteria provided, single submitter. Criteria: Ambry Variant Classification Scheme 2023. Collection method: clinical testing. Allele origin: germline.
Comment: The p.S1730Y variant (also known as c.5189C>A), located in coding exon 40 of the TSC2 gene, results from a C to A substitution at nucleotide position 5189. The serine at codon 1730 is replaced by tyrosine, an amino acid with dissimilar properties. This amino acid position is conserved. In addition, this alteration is predicted to be deleterious by in silico analysis. Based on the available evidence, the clinical significance of this variant remains unclear.